The following is an entry in ClinVar:

ClinVar aggregate classification (germline): Uncertain significance (1 of 4 stars; one submission).

Allele frequency attached by ClinVar (database versions not stated): gnomAD exomes below 0.00001.
gnomAD v4.1: 1 of 1,613,914 alleles (0.000062%); highest among the groups gnomAD compares: Non-Finnish European, 0.000085%; no homozygotes.

Submission:

GeneDx
Classification: Uncertain significance. Last evaluated: 2023-04-12. Review status: criteria provided, single submitter. Criteria: GeneDx Variant Classification Process June 2021. Collection method: clinical testing. Allele origin: germline. Affected: yes.
Comment: Not observed at significant frequency in large population cohorts (gnomAD); In silico analysis supports that this missense variant does not alter protein structure/function; Has not been previously published as pathogenic or benign to our knowledge

NM_130837.3(OPA1):c.2097G>A (p.Met699Ile)

Gene: OPA1 (OPA1 mitochondrial dynamin like GTPase; plus strand). Cytogenetic location: 3q29.
Variant type: single nucleotide variant.
Coding change: c.2097G>A on transcript NM_130837.3 (MANE Select); coding-DNA position 2097, G replaced by A.
Protein change: p.Met699Ile; replaces methionine 699 with isoleucine.
Molecular consequence: missense variant.
Genome position (GRCh38, 1-based): chr3:193,654,946, G>A. VCF-style: chr3-193654946-G-A. GRCh37 (hg19) VCF-style: chr3-193372735-G-A.
Other names: c.1563G>A, p.Met521Ile (NM_001354663.2); c.1560G>A, p.Met520Ile (NM_001354664.2); c.1932G>A, p.Met644Ile (NM_015560.3); c.1824G>A, p.Met608Ile (NM_130831.3); c.1878G>A, p.Met626Ile (NM_130832.3); c.1935G>A, p.Met645Ile (NM_130833.3); c.1986G>A, p.Met662Ile (NM_130834.3); c.1989G>A, p.Met663Ile (NM_130835.3); and 1 more; short protein forms M520I, M521I, M608I, M626I, M644I, M645I, M662I, M663I.
Identifiers: ClinVar variation 2662557 (VCV002662557.1), dbSNP rs2475017972, ClinGen allele CA355791152.